The following is an entry in ClinVar:

NM_003235.5(TG):c.8187A>C (p.Ala2729=)

Gene: TG (thyroglobulin; plus strand). Cytogenetic location: 8q24.22.
Variant type: single nucleotide variant.
Coding change: c.8187A>C on transcript NM_003235.5 (MANE Select); coding-DNA position 8187, A replaced by C.
Protein change: p.Ala2729=; no amino-acid change (alanine 2729 retained).
Molecular consequence: synonymous variant.
Genome position (GRCh38, 1-based): chr8:133,133,659, A>C. VCF-style: chr8-133133659-A-C. GRCh37 (hg19) VCF-style: chr8-134145903-A-C.
Identifiers: ClinVar variation 4535779 (VCV004535779.1).

ClinVar aggregate classification (germline): Uncertain significance (1 of 4 stars; one submission).

Submission:

Women's Health and Genetics/Laboratory Corporation of America, LabCorp
Classification: Uncertain significance. Last evaluated: 2025-09-04. Review status: criteria provided, single submitter. Criteria: LabCorp Variant Classification Summary - May 2015. Collection method: clinical testing. Allele origin: germline.
Comment: Variant summary: TG c.8187A>C (p.Ala2729Ala) alters a conserved nucleotide located close to a canonical splice site and therefore could affect mRNA splicing, leading to a significantly altered protein sequence. Several computational tools predict a significant impact on normal splicing: Two predict the variant abolishes a 5' splicing donor site. Two predict the variant weakens a 5' donor site. However, these predictions have yet to be confirmed by functional studies. The frequency data for this variant in gnomAD is considered unreliable, as metrics indicate poor data quality at this position. To our knowledge, no occurrence of c.8187A>C in individuals affected with TG-related conditions and no experimental evidence demonstrating its impact on protein function have been reported. No submitters have cited clinical-significance assessments for this variant to ClinVar. Based on the evidence outlined above, the variant was classified as uncertain significance.